The following is an entry in ClinVar:

ClinVar aggregate classification (germline): Uncertain significance. Review status: criteria provided, multiple submitters, no conflicts (2 of 4 stars). 2 submissions from 2 submitters: Uncertain significance (2). Last evaluated 2026-07-31.

Conditions:
Loeys-Dietz syndrome 2 (LDS2). Also called: Marfan Syndrome type 2; Marfan like connective tissue disorder; MFS 2; TGFBR2-Related Loeys-Dietz Syndrome; Marfan syndrome, type 2 (formerly); AORTIC ANEURYSM, FAMILIAL THORACIC 3. Identifiers: Orphanet 284973, Orphanet 558, MedGen C2674574, MONDO:0012427, OMIM 610168.

Submissions (2):

Ambry Genetics
Classification: Uncertain significance. Last evaluated: 2026-07-31. Review status: criteria provided, single submitter. Criteria: Ambry Variant Classification Scheme 2023. Collection method: clinical testing. Allele origin: germline.
Comment: The p.D109E variant (also known as c.327T>A), located in coding exon 2 of the TMPO gene, results from a T to A substitution at nucleotide position 327. The aspartic acid at codon 109 is replaced by glutamic acid, an amino acid with highly similar properties. This amino acid position is conserved. In addition, this alteration is predicted to be tolerated by in silico analysis. Based on the available evidence, the clinical significance of this variant remains unclear.

Labcorp Genetics (formerly Invitae), Labcorp
Classification: Uncertain significance for Loeys-Dietz syndrome 2. Last evaluated: 2024-06-30. Review status: criteria provided, single submitter. Criteria: Invitae Variant Classification Sherloc (09022015). Collection method: clinical testing. Allele origin: germline.
Comment: This sequence change replaces aspartic acid, which is acidic and polar, with glutamic acid, which is acidic and polar, at codon 109 of the TMPO protein (p.Asp109Glu). This variant is not present in population databases (gnomAD no frequency). This variant has not been reported in the literature in individuals affected with TMPO-related conditions. Algorithms developed to predict the effect of missense changes on protein structure and function output the following: SIFT: "Not Available"; PolyPhen-2: "Probably Damaging"; Align-GVGD: "Not Available". The glutamic acid amino acid residue is found in multiple mammalian species, which suggests that this missense change does not adversely affect protein function. In summary, the available evidence is currently insufficient to determine the role of this variant in disease. Therefore, it has been classified as a Variant of Uncertain Significance.

NM_001032283.3(TMPO):c.327T>A (p.Asp109Glu)

Gene: TMPO (thymopoietin; plus strand). Cytogenetic location: 12q23.1.
Variant type: single nucleotide variant.
Coding change: c.327T>A on transcript NM_001032283.3 (MANE Select); coding-DNA position 327, T replaced by A.
Protein change: p.Asp109Glu; replaces aspartic acid 109 with glutamic acid.
Molecular consequence: missense variant.
Genome position (GRCh38, 1-based): chr12:98,527,933, T>A. VCF-style: chr12-98527933-T-A. GRCh37 (hg19) VCF-style: chr12-98921711-T-A.
Other names: c.327T>A, p.Asp109Glu (NM_001032284.3, NM_001307975.2, NM_003276.2); short protein forms D109E.
Identifiers: ClinVar variation 3716865 (VCV003716865.3).